The following is an entry in ClinVar:

NM_006231.4(POLE):c.5072G>C (p.Arg1691Pro)

Gene: POLE (DNA polymerase epsilon, catalytic subunit; minus strand). Cytogenetic location: 12q24.33.
Variant type: single nucleotide variant.
Coding change: c.5072G>C on transcript NM_006231.4 (MANE Select); coding-DNA position 5072, G replaced by C.
Protein change: p.Arg1691Pro; replaces arginine 1691 with proline.
Molecular consequence: missense variant.
Genome position (GRCh38, 1-based): chr12:132,642,278, C>G on the plus strand (G>C on the coding strand, the complement: POLE is on the minus strand). VCF-style: chr12-132642278-C-G. GRCh37 (hg19) VCF-style: chr12-133218864-C-G.
Other names: short protein forms R1691P.
Identifiers: ClinVar variation 2191316 (VCV002191316.4), dbSNP rs1235110857, ClinGen allele CA387377029.

ClinVar aggregate classification (germline): Uncertain significance (1 of 4 stars; one submission).

Submission:

Labcorp Genetics (formerly Invitae), Labcorp
Classification: Uncertain significance. Last evaluated: 2022-03-23. Review status: criteria provided, single submitter. Criteria: Invitae Variant Classification Sherloc (09022015). Collection method: clinical testing. Allele origin: germline.
Comment: In summary, the available evidence is currently insufficient to determine the role of this variant in disease. Therefore, it has been classified as a Variant of Uncertain Significance. Algorithms developed to predict the effect of missense changes on protein structure and function are either unavailable or do not agree on the potential impact of this missense change (SIFT: "Tolerated"; PolyPhen-2: "Probably Damaging"; Align-GVGD: "Class C0"). This variant has not been reported in the literature in individuals affected with POLE-related conditions. This variant is not present in population databases (gnomAD no frequency). This sequence change replaces arginine, which is basic and polar, with proline, which is neutral and non-polar, at codon 1691 of the POLE protein (p.Arg1691Pro).